The following is an entry in ClinVar:

NM_005228.5(EGFR):c.1540G>C (p.Gly514Arg)

Gene: EGFR (epidermal growth factor receptor; plus strand). Cytogenetic location: 7p11.2.
Variant type: single nucleotide variant.
Coding change: c.1540G>C on transcript NM_005228.5 (MANE Select); coding-DNA position 1540, G replaced by C.
Protein change: p.Gly514Arg; replaces glycine 514 with arginine.
Molecular consequence: missense variant.
Genome position (GRCh38, 1-based): chr7:55,161,540, G>C. VCF-style: chr7-55161540-G-C. GRCh37 (hg19) VCF-style: chr7-55229233-G-C.
Other names: c.1405G>C, p.Gly469Arg (NM_001346899.2, NM_001346897.2); c.1381G>C, p.Gly461Arg (NM_001346900.2); c.739G>C, p.Gly247Arg (NM_001346941.2); c.1540G>C, p.Gly514Arg (NM_201282.2, NM_201284.2, NM_001346898.2); short protein forms G461R, G514R, G247R, G469R.
Identifiers: ClinVar variation 3666304 (VCV003666304.2).

ClinVar aggregate classification (germline): Uncertain significance (1 of 4 stars; one submission).

Conditions:
EGFR-related lung cancer (EGFR). Identifiers: MedGen CN130014.

Submission:

Labcorp Genetics (formerly Invitae), Labcorp
Classification: Uncertain significance for EGFR-related lung cancer. Last evaluated: 2024-12-20. Review status: criteria provided, single submitter. Criteria: Invitae Variant Classification Sherloc (09022015). Collection method: clinical testing. Allele origin: germline.
Comment: This sequence change replaces glycine, which is neutral and non-polar, with arginine, which is basic and polar, at codon 514 of the EGFR protein (p.Gly514Arg). This variant is not present in population databases (gnomAD no frequency). This variant has not been reported in the literature in individuals affected with EGFR-related conditions. Invitae Evidence Modeling of protein sequence and biophysical properties (such as structural, functional, and spatial information, amino acid conservation, physicochemical variation, residue mobility, and thermodynamic stability) has been performed for this missense variant. However, the output from this modeling did not meet the statistical confidence thresholds required to predict the impact of this variant on EGFR protein function. In summary, the available evidence is currently insufficient to determine the role of this variant in disease. Therefore, it has been classified as a Variant of Uncertain Significance.